The following is an entry in ClinVar:

NM_001365693.1(MGAM):c.1175A>G (p.Asn392Ser)

Gene: MGAM (maltase-glucoamylase; plus strand). Cytogenetic location: 7q34.
Variant type: single nucleotide variant.
Coding change: c.1175A>G on transcript NM_001365693.1 (MANE Select); coding-DNA position 1175, A replaced by G.
Protein change: p.Asn392Ser; replaces asparagine 392 with serine.
Molecular consequence: missense variant.
Genome position (GRCh38, 1-based): chr7:142,027,689, A>G. VCF-style: chr7-142027689-A-G. GRCh37 (hg19) VCF-style: chr7-141727489-A-G.
Other names: c.1175A>G, p.Asn392Ser (NM_004668.3); c.1175A>G (NM_004668.2); short protein forms N392S.
Identifiers: ClinVar variation 3050932 (VCV003050932.3), dbSNP rs200834950, ClinGen allele CA4520690.

ClinVar aggregate classification (germline): Uncertain significance. Review status: criteria provided, single submitter (1 of 4 stars). 2 submissions from 2 submitters: Uncertain significance (1). 1 of the submissions does not count toward it. Last evaluated 2023-12-26.

Conditions:
MGAM-related disorder. Also called: MGAM-related condition.

Allele frequency attached by ClinVar (database versions not stated): gnomAD exomes 0.00005; ExAC 0.00014; 1000 Genomes Project 30x 0.00016; 1000 Genomes Project 0.00020; ESP Exome Variant Server 0.00059; gnomAD 0.00068; TOPMed 0.00070.
gnomAD v4.1: 171 of 1,613,512 alleles (0.011%); highest among the groups gnomAD compares: African/African-American, 0.21%; no homozygotes.

Submissions (2):

Ambry Genetics
Classification: Uncertain significance. Last evaluated: 2023-12-26. Review status: criteria provided, single submitter. Criteria: Ambry Variant Classification Scheme 2023. Collection method: clinical testing. Allele origin: germline.

PreventionGenetics, part of Exact Sciences
Classification: Likely benign for MGAM-related condition. Last evaluated: 2023-07-24. Review status: no assertion criteria provided. Collection method: clinical testing. Allele origin: germline. Not counted in ClinVar's aggregate classification.
Comment: This variant is classified as likely benign based on ACMG/AMP sequence variant interpretation guidelines (Richards et al. 2015 PMID: 25741868, with internal and published modifications).